The following is an entry in ClinVar:

NM_001081.4(CUBN):c.9808A>G (p.Thr3270Ala)

Gene: CUBN (cubilin; minus strand). Cytogenetic location: 10p13.
Variant type: single nucleotide variant.
Coding change: c.9808A>G on transcript NM_001081.4 (MANE Select); coding-DNA position 9808, A replaced by G.
Protein change: p.Thr3270Ala; replaces threonine 3270 with alanine.
Molecular consequence: missense variant.
Genome position (GRCh38, 1-based): chr10:16,840,903, T>C on the plus strand (A>G on the coding strand, the complement: CUBN is on the minus strand). VCF-style: chr10-16840903-T-C. GRCh37 (hg19) VCF-style: chr10-16882902-T-C.
Other names: short protein forms T3270A.
Identifiers: ClinVar variation 4538313 (VCV004538313.1).
Genomic context (GRCh38, chr10:16,840,903, plus strand): 5'-ATGTGTATTTCATAACATATAAAAATGCTTCTATTTACTCACTGTCCATGATGGTGTATG[T>C]AGCATTAAATCCTTCCCTCTCTAATGTTAAGTCACTGATGAATTGAACCGTAAGGAAGTT-3'
Protein context (NP_001072.2, residues 3260-3280): LTLEREGFNA[Thr3270Ala]YTIMDMPCGG

ClinVar aggregate classification (germline): Uncertain significance (1 of 4 stars; one submission).

gnomAD v4.1: 2 of 1,612,040 alleles (0.00012%); highest among the groups gnomAD compares: African/African-American, 0.0013%; no homozygotes.

Submission:

Greenwood Genetic Center Diagnostic Laboratories, Greenwood Genetic Center
Classification: Uncertain significance. Last evaluated: 2025-06-16. Review status: criteria provided, single submitter. Criteria: ACMG Guidelines, 2015. Collection method: clinical testing. Allele origin: germline. Affected: yes.
Comment: PM2